The following is an entry in ClinVar:

ClinVar aggregate classification (germline): Uncertain significance (1 of 4 stars; one submission).

Allele frequency attached by ClinVar (database versions not stated): ExAC 0.00001; gnomAD 0.00001; gnomAD exomes 0.00001; TOPMed 0.00001; ESP Exome Variant Server 0.00008.
gnomAD v4.1: 25 of 1,614,056 alleles (0.0015%); highest among the groups gnomAD compares: African/African-American, 0.0027%; no homozygotes.

Submission:

GeneDx
Classification: Uncertain significance. Last evaluated: 2022-07-22. Review status: criteria provided, single submitter. Criteria: GeneDx Variant Classification Process June 2021. Collection method: clinical testing. Allele origin: germline. Affected: yes.
Comment: Not observed at significant frequency in large population cohorts (gnomAD); In silico analysis supports that this missense variant has a deleterious effect on protein structure/function; Has not been previously published as pathogenic or benign to our knowledge

NM_001018116.2(CAVIN4):c.686A>G (p.Glu229Gly)

Gene: CAVIN4 (caveolae associated protein 4; plus strand). Cytogenetic location: 9q31.1.
Variant type: single nucleotide variant.
Coding change: c.686A>G on transcript NM_001018116.2 (MANE Select); coding-DNA position 686, A replaced by G.
Protein change: p.Glu229Gly; replaces glutamic acid 229 with glycine.
Molecular consequence: missense variant.
Genome position (GRCh38, 1-based): chr9:100,586,042, A>G. VCF-style: chr9-100586042-A-G. GRCh37 (hg19) VCF-style: chr9-103348324-A-G.
Other names: short protein forms E229G.
Identifiers: ClinVar variation 2136163 (VCV002136163.1), dbSNP rs141750274, ClinGen allele CA5160131.